The following is an entry in ClinVar:

ClinVar aggregate classification (germline): Benign. Review status: criteria provided, multiple submitters, no conflicts (2 of 4 stars). 2 submissions from 2 submitters: Benign (2). Last evaluated 2024-07-15.

Allele frequency attached by ClinVar (database versions not stated): gnomAD 0.69579 and 0.69820; TOPMed 0.70122; gnomAD exomes 0.71025 and 0.72098; ExAC 0.71248; 1000 Genomes Project 0.72145; 1000 Genomes Project 30x 0.72314.
gnomAD v4.1: 285,012 of 404,180 alleles (71%); highest among the groups gnomAD compares: Admixed American, 80%; 101,066 homozygotes.

Submissions (2):

Unidad de Genómica Garrahan, Hospital de Pediatría Garrahan
Classification: Benign. Last evaluated: 2024-07-15. Review status: criteria provided, single submitter. Criteria: ACMG Guidelines, 2015. Collection method: clinical testing. Allele origin: germline. Affected: no. Observed: 19 variant alleles.
Comment: This variant is classified as Benign based on local population frequency. This variant was detected in 20% of patients studied in a panel designed for Epileptic and Developmental Encephalopathy and Progressive Myoclonus Epilepsy. Number of patients: 19. Only high quality variants are reported.

GeneDx
Classification: Benign. Last evaluated: 2018-06-25. Review status: criteria provided, single submitter. Criteria: GeneDx Variant Classification Process June 2021. Collection method: clinical testing. Allele origin: germline. Affected: yes.

NM_198904.4(GABRG2):c.632-1175A>G

Gene: GABRG2 (gamma-aminobutyric acid type A receptor subunit gamma2; plus strand). Cytogenetic location: 5q34.
Variant type: single nucleotide variant.
Coding change: c.632-1175A>G on transcript NM_198904.4 (MANE Select); 1175 bases into the intron before coding-DNA position 632, A replaced by G.
Molecular consequence: intron variant.
Genome position (GRCh38, 1-based): chr5:162,102,714, A>G. VCF-style: chr5-162102714-A-G. GRCh37 (hg19) VCF-style: chr5-161529720-A-G.
Other names: c.347-1175A>G (NM_001375349.1); c.751+41A>G (NM_001375343.1, NM_198903.2); c.632-1175A>G (NM_001375344.1, NM_001375340.1, NM_001375341.1 and 2 more transcripts); c.212-1175A>G (NM_001375350.1, NM_001375348.1); c.623-1175A>G (NM_001375339.1); c.566-1175A>G (NM_001375346.1, NM_001375345.1); c.545-1175A>G (NM_001375347.1).
Identifiers: ClinVar variation 1276668 (VCV001276668.3), dbSNP rs211034, ClinGen allele CA3544787.